The following continues an entry in ClinVar:

NM_001256317.3(TMPRSS3):c.413C>A (p.Ala138Glu)

Gene: TMPRSS3. ClinVar aggregate classification (germline): Pathogenic/Likely pathogenic. Pathogenic (25); Likely pathogenic (8).

Submissions 13 to 35 of 35:

Fulgent Genetics
Classification: Pathogenic for Autosomal recessive nonsyndromic hearing loss 8. Last evaluated: 2024-05-09. Review status: criteria provided, single submitter. Criteria: ACMG Guidelines, 2015. Collection method: clinical testing. Allele origin: germline.

Molecular Genetics, Royal Melbourne Hospital
Classification: Pathogenic for Nonsyndromic genetic hearing loss. Last evaluated: 2024-01-05. Review status: criteria provided, single submitter. Criteria: ACMG Guidelines, 2015. Collection method: clinical testing. Allele origin: germline. Inheritance: Autosomal recessive inheritance. Affected: yes.
Comment: This sequence change in TMPRSS3 is predicted to replace alanine with glutamic acid at codon 138, p.(Ala138Glu). The alanine residue is moderately conserved (100 vertebrates, Multiz Alignments), and is located in the scavenger receptor cysteine-rich (SRCR) domain. There is a large physicochemical difference between alanine and glutamic acid. The highest population minor allele frequency in the population database gnomAD v4.0 is 0.2% (2,942/1,180,048 alleles) in the European (non-Finnish) population. The variant has been reported to segregate with hearing loss in affected family members from two unrelated families (PMID: 21786053). This variant has been detected in multiple individuals with hearing loss. Of those individuals, at least two individuals were homozygous while the majority of the reported individuals were compound heterozygous for the variant and a pathogenic or likely pathogenic variant (PMID: 37811145, 37713394, 30242206, 22975204, 21786053). Computational evidence is uninformative for the missense substitution (REVEL = 0.595). Based on the classification scheme RMH Modified ACMG/AMP Guidelines v1.6.1, this variant is classified as PATHOGENIC. Following criteria are met: PM3_VeryStrong, PP1_Strong

Revvity Omics, Revvity
Classification: Likely pathogenic for Autosomal recessive nonsyndromic hearing loss 8. Last evaluated: 2023-12-01. Review status: criteria provided, single submitter. Criteria: ACMG Guidelines, 2015. Collection method: clinical testing. Allele origin: germline.

Baylor Genetics
Classification: Pathogenic for Autosomal recessive nonsyndromic hearing loss 8. Last evaluated: 2023-09-29. Review status: criteria provided, single submitter. Criteria: ACMG Guidelines, 2015. Collection method: clinical testing. Allele origin: unknown.

The Shared Resource Centre "Genome", Research Centre for Medical Genetics
Classification: Pathogenic for Autosomal recessive nonsyndromic hearing loss 8. Last evaluated: 2022-11-10. Review status: criteria provided, single submitter. Criteria: ACMG Guidelines, 2015. Collection method: clinical testing. Allele origin: germline. Affected: yes. Observed: 1 variant allele.

MGZ Medical Genetics Center
Classification: Likely pathogenic for Autosomal recessive nonsyndromic hearing loss 8. Last evaluated: 2022-08-04. Review status: criteria provided, single submitter. Criteria: ACMG Guidelines, 2015. Collection method: clinical testing. Allele origin: germline. Affected: yes. Observed: 1 variant allele.
Comment: ACMG criteria applied: PS4, PM3, PP1_MOD, PM2_SUP

Mayo Clinic Laboratories, Mayo Clinic
Classification: Pathogenic. Last evaluated: 2022-05-31. Review status: criteria provided, single submitter. Criteria: ACMG Guidelines, 2015. Collection method: clinical testing. Allele origin: germline. Observed: 2 variant alleles.
Comment: PP1_strong, PM3_very_strong

Clinical Genetics Laboratory, Skane University Hospital Lund
Classification: Likely pathogenic. Last evaluated: 2022-05-27. Review status: criteria provided, single submitter. Criteria: ACMG Guidelines, 2015. Collection method: clinical testing. Allele origin: germline. Affected: yes.

AiLife Diagnostics
Classification: Likely pathogenic. Last evaluated: 2021-10-10. Review status: criteria provided, single submitter. Criteria: ACMG Guidelines, 2015. Collection method: clinical testing. Allele origin: germline. Affected: yes. Observed: 1 variant allele.

Institute of Medical Genetics and Applied Genomics, University Hospital Tübingen
Classification: Pathogenic. Last evaluated: 2021-09-15. Review status: criteria provided, single submitter. Criteria: ACMG Guidelines, 2015. Collection method: clinical testing. Allele origin: germline. Inheritance: Autosomal recessive inheritance. Affected: yes.

Kariminejad - Najmabadi Pathology & Genetics Center
Classification: Likely pathogenic. Last evaluated: 2021-07-10. Review status: criteria provided, single submitter. Criteria: ACMG Guidelines, 2015. Collection method: clinical testing. Allele origin: germline. Affected: no. Observed: 1 heterozygote.

Department of Otolaryngology – Head & Neck Surgery, Cochlear Implant Center
Classification: Likely pathogenic for Hearing impairment. Last evaluated: 2021-04-12. Review status: criteria provided, single submitter. Criteria: ClinGen HL ACMG Specifications v1. Collection method: clinical testing. Allele origin: germline. Affected: yes.
Comment: PS1_Strong, PM2_Moderate, PP3_Supporting

Department of Pathology and Laboratory Medicine, Sinai Health System
Classification: Pathogenic for Autosomal recessive nonsyndromic hearing loss 8. Last evaluated: 2020-08-31. Review status: criteria provided, single submitter. Criteria: ACMG Guidelines, 2015. Collection method: research. Allele origin: germline.

Women's Health and Genetics/Laboratory Corporation of America, LabCorp
Classification: Pathogenic for Deafness, autosomal recessive 8. Last evaluated: 2020-04-07. Review status: criteria provided, single submitter. Criteria: LabCorp Variant Classification Summary - May 2015. Collection method: clinical testing. Allele origin: germline.
Comment: Variant summary: TMPRSS3 c.413C>A (p.Ala138Glu) results in a non-conservative amino acid change located in the SRCR domain (IPR001190) of the encoded protein sequence. Four of five in-silico tools predict a damaging effect of the variant on protein function. The variant allele was found at a frequency of 0.00092 in 251450 control chromosomes. c.413C>A has been reported in the literature in multiple individuals affected with Deafness, autosomal recessive 8 (examples- Hutchin_2005, Weegerink_2011, Eppsteiner_2012), and has been shown to segregate with disease in affected family members. These data indicate that the variant is very likely to be associated with disease. To our knowledge, no experimental evidence demonstrating an impact on protein function has been reported. Four other ClinVar submitters have cited the variant as pathogenic/likely pathogenic. Based on the evidence outlined above, the variant was classified as pathogenic.

Genetics Laboratory, Department of Biology, Semnan University
Classification: Pathogenic for Autosomal recessive nonsyndromic hearing loss 8. Last evaluated: 2018-08-01. Review status: criteria provided, single submitter. Criteria: ACMG Guidelines, 2015. Collection method: case-control. Allele origin: inherited. Inheritance: Autosomal recessive inheritance. Affected: no. Observed: 1 heterozygote.
Comment: The identified mutation leads to the substitution of Alanine 138 to Glutamic acid (A138E) in the TMPRSS3 protein. Hence, this substitution alters the amino acid sequence and leads to abnormal protein function.

Illumina Laboratory Services, Illumina
Classification: Pathogenic for Autosomal recessive nonsyndromic hearing loss 8. Last evaluated: 2018-03-20. Review status: criteria provided, single submitter. Criteria: ICSL Variant Classification Criteria 09 May 2019. Collection method: clinical testing. Allele origin: germline.
Comment: The TMPRSS3 c.413C>A (p.Ala138Glu) variant was identified in a total of 14 individuals with an autosomal recessive form of hearing loss, including in two homozygotes from one family and in a total of 12 compound heterozygotes from seven unrelated families. The variant was also found in a heterozygous state in three unaffected parents (Hutchin et al. 2005; Weegerink et al. 2011; Eppsteiner et al. 2012). The p.Ala138Glu variant was absent from 165 controls, but is reported at a frequency of 0.00121 in the European (non-Finnish) population of the Exome Aggregation Consortium. Based on the evidence, the p.Ala138Glu variant is classified as pathogenic for autosomal recessive nonsyndromic hearing loss. This variant was observed by ICSL as part of a predisposition screen in an ostensibly healthy population.

Laboratory for Molecular Medicine, Mass General Brigham Personalized Medicine
Classification: Pathogenic for Rare genetic deafness. Last evaluated: 2016-03-31. Review status: criteria provided, single submitter. Criteria: LMM Criteria. Collection method: clinical testing. Allele origin: germline. Inheritance: Autosomal recessive inheritance. Observed: 15 variant alleles.
Comment: The p.Ala138Glu variant in TMPRSS3 has been reported in the homozygous or compou nd heterozygous state in more than 10 probands with nonsyndromic hearing loss an d has segregated in 5 affected family members (Eppsteiner 2012, Hutchin 2005, We egerink 2011, LMM data). This variant has been identified in 0.1% (82/67696) Eur opean chromosomes by the Exome Aggregation Consortium (ExAC; rs147231991); however, its frequency is low enough to be consistent with a recessive carrier frequency. Computational prediction tools and conserva tion analysis suggest that this variant may impact the protein. In summary, the p.Ala138Glu variant meets criteria to be classified as pathogenic for autosomal recessive nonsyndromic hearing loss based on the previous reports of biallelic states in affected individuals and segregations with hearing loss. ACMG/AMP Crit eria applied: PM3_VeryStrong, PP1_Strong, PP3.

Knight Diagnostic Laboratories, Oregon Health and Sciences University
Classification: Likely pathogenic for Autosomal recessive nonsyndromic hearing loss 8. Last evaluated: 2016-01-27. Review status: criteria provided, single submitter. Criteria: ACMG Guidelines, 2015. Collection method: clinical testing. Allele origin: germline. Affected: no. Study: CSER-NextGen.
Comment: The c. 413C>A (p. Ala138Glu) missense variant in the TMPRSS3 gene has previously been reported as homozygous in two siblings who were affected with autosomal recessive non-syndromic hearing loss [Hutchin T et al., (2005)]. Additionally, this variant has been seen in trans with a known pathogenic variant (Ala306Thr) and also co-segregated with disease in multiple affected family members in several families [Weegerink NJ et al., (2011)]. The prevalence of this variant in affected individuals is significantly increased compared with the prevalence in controls. The frequency of this variant in the three control population databases (Exome Sequencing Project [ESP], 1000 Genomes, and ExAC) is lower than the disease-allele frequency, and no homozygotes for this variant are observed in the population databases. Several computational algorithms predict a deleterious effect of this variant on the protein. Finally, reputable clinical sources have classified this variant as either Likely Pathogenic or Pathogenic. Therefore, this collective evidence supports the Likely Pathogenic classification of the c.413C>A (p. Ala138Glu) variant in the TMPRSS3 gene for Non-syndromic hearing loss (DFNB8/10). We have confirmed this finding in our laboratory using Sanger sequencing.

Clinical Genetics Service, Universitary Hospital 12 de Octubre
Classification: Pathogenic for Autosomal recessive nonsyndromic hearing loss 8. Review status: criteria provided, single submitter. Criteria: ACMG Guidelines, 2015. Collection method: clinical testing. Allele origin: germline. Affected: yes.

Genomics England Pilot Project, Genomics England
Classification: Likely pathogenic for Autosomal recessive nonsyndromic hearing loss 8. Review status: criteria provided, single submitter. Criteria: ACGS Guidelines, 2016. Collection method: clinical testing. Allele origin: germline. Affected: yes.

Laboratory of Molecular, Cellular and Translation Genetics in Otolaryngology/ Lim32-hcfmusp, University of Sao Paulo School of Medicine Clinics Hospital
Classification: Pathogenic for Autosomal recessive nonsyndromic hearing loss 8. Review status: criteria provided, single submitter. Criteria: ClinGen HL ACMG Specifications v1. Collection method: research. Allele origin: germline. Inheritance: Autosomal recessive inheritance. Affected: yes. Observed: 1 variant allele, 1 compound heterozygote. Segregation with disease observed.

Clinical Genetics DNA and cytogenetics Diagnostics Lab, Erasmus MC, Erasmus Medical Center
Classification: Pathogenic. Review status: no assertion criteria provided. Collection method: clinical testing. Allele origin: germline. Affected: yes. Study: VKGL Data-share Consensus. Not counted in ClinVar's aggregate classification.

Joint Genome Diagnostic Labs from Nijmegen and Maastricht, Radboudumc and MUMC+
Classification: Likely pathogenic. Review status: no assertion criteria provided. Collection method: clinical testing. Allele origin: germline. Affected: yes. Study: VKGL Data-share Consensus. Not counted in ClinVar's aggregate classification.

Literature cited by the submitters: PubMed 16283880 (cited by 7 submitters); PubMed 21786053 (cited by 7 submitters); PubMed 22975204 (cited by 7 submitters); PubMed 28566687 (cited by Labcorp Genetics (formerly Invitae), Labcorp and AiLife Diagnostics); PubMed 29431110 (cited by Labcorp Genetics (formerly Invitae), Labcorp and AiLife Diagnostics); PubMed 30242206 (cited by 4 submitters); PubMed 31152317 (cited by Labcorp Genetics (formerly Invitae), Labcorp and AiLife Diagnostics); PubMed 37811145 (cited by Dasa and Molecular Genetics, Royal Melbourne Hospital); PubMed 37713394 (cited by Dasa and Molecular Genetics, Royal Melbourne Hospital); PubMed 31589614 (cited by AiLife Diagnostics); PubMed 31980526 (cited by AiLife Diagnostics); PubMed 25262649 (cited by AiLife Diagnostics and Laboratory for Molecular Medicine, Mass General Brigham Personalized Medicine); PubMed 34599368 (cited by Laboratory of Molecular, Cellular and Translation Genetics in Otolaryngology/ Lim32-hcfmusp, University of Sao Paulo School of Medicine Clinics Hospital).